The following is an entry in ClinVar:

ClinVar aggregate classification (germline): Likely benign. Review status: criteria provided, multiple submitters, no conflicts (2 of 4 stars). 3 submissions from 3 submitters: Likely benign (3). Last evaluated 2025-09-13.

Conditions:
PIEZO1-related disorder. Also called: PIEZO1-related condition; PIEZO1-Related Disorders.

gnomAD v4.1: 143 of 1,549,382 alleles (0.0092%); highest among the groups gnomAD compares: Non-Finnish European, 0.012%; no homozygotes.

Submissions (3):

PreventionGenetics, part of Exact Sciences
Classification: Likely benign for PIEZO1-related condition. Last evaluated: 2025-09-13. Review status: criteria provided, single submitter. Criteria: ACMG Guidelines, 2015. Collection method: clinical testing. Allele origin: germline.
Comment: This variant is classified as likely benign based on ACMG/AMP sequence variant interpretation guidelines (Richards et al. 2015 PMID: 25741868, with internal and published modifications).

Labcorp Genetics (formerly Invitae), Labcorp
Classification: Likely benign. Last evaluated: 2025-07-20. Review status: criteria provided, single submitter. Criteria: Invitae Variant Classification Sherloc (09022015). Collection method: clinical testing. Allele origin: germline.

ARUP Laboratories, Molecular Genetics and Genomics, ARUP Laboratories
Classification: Likely benign. Last evaluated: 2024-08-30. Review status: criteria provided, single submitter. Criteria: ARUP Molecular Germline Variant Investigation Process 2024. Collection method: clinical testing. Allele origin: germline.

NM_001142864.4(PIEZO1):c.4011C>T (p.Asp1337=)

Gene: PIEZO1 (piezo type mechanosensitive ion channel component 1 (Er blood group); minus strand). Cytogenetic location: 16q24.3.
Variant type: single nucleotide variant.
Coding change: c.4011C>T on transcript NM_001142864.4 (MANE Select); coding-DNA position 4011, C replaced by T.
Protein change: p.Asp1337=; no amino-acid change (aspartic acid 1337 retained).
Molecular consequence: synonymous variant.
Genome position (GRCh38, 1-based): chr16:88,725,642, G>A on the plus strand (C>T on the coding strand, the complement: PIEZO1 is on the minus strand). VCF-style: chr16-88725642-G-A. GRCh37 (hg19) VCF-style: chr16-88792050-G-A.
Other names: c.4011C>T (NM_001142864.3).
Identifiers: ClinVar variation 3710078 (VCV003710078.4).
Genomic context (GRCh38, chr16:88,725,642, plus strand): 5'-CAGAGGCACCTACTGTCTTTTCAGCTGGGCCAGGGACTTCTCCTCTATCCTGCGGTGAAA[G>A]TCAATGCTCTTGAGGTTGGCAGCGTTGTAGAGGGCGAAGCCCCTGTAGGGAGGCGGGGAT-3'
Protein context (NP_001136336.2, residues 1327-1347): LYNAANLKSI[Asp1337=]FHRRIEEKSL